The following is an entry in ClinVar:

NM_000322.5(PRPH2):c.209dup (p.Ser71fs)

Gene: PRPH2 (peripherin 2; minus strand). Cytogenetic location: 6p21.1.
Variant type: Duplication.
Coding change: c.209dup on transcript NM_000322.5 (MANE Select); coding-DNA position 209, one base duplicated (T; older notation c.209dupT).
Protein change: p.Ser71fs; shifts the reading frame from serine 71.
Molecular consequence: frameshift variant.
Genome position (GRCh38, 1-based): chr6:42,722,126, A duplicated on the plus strand (T on the coding strand, the reverse complement: PRPH2 is on the minus strand). VCF-style (leftmost placement, unchanged base first): chr6-42722125-T-TA. GRCh37 (hg19) VCF-style: chr6-42689863-T-TA.
Other names: short protein forms S71fs.
Identifiers: ClinVar variation 1175254 (VCV001175254.1), dbSNP rs2152011053, ClinGen allele CA2499218307.
Genomic context (GRCh38, chr6:42,722,125, plus strand): 5'-CTTGGCTGGGTCCAGGGCGTCGTAGCAGATCTTCCCAGCCAGCGAGTTGAAGACACAGGA[T>TA]AGCACCCCCATCCCTATCAATGAGTTGGGCACAAAATGGCTCTCAGAATTATTCATCACA-3'

ClinVar aggregate classification (germline): Pathogenic (0 of 4 stars; one submission).

Submission:

Leiden Open Variation Database
Classification: Pathogenic. Last evaluated: 2021-04-06. Review status: no assertion criteria provided. Collection method: curation. Allele origin: germline. Affected: yes.
Comment: Curator: Global Variome, with Curator vacancy. Submitter to LOVD: Manon Peeters.